The following is an entry in ClinVar:

NM_001304359.2(MUC5AC):c.13596C>T (p.Ala4532=)

Gene: MUC5AC (mucin 5AC, oligomeric mucus/gel-forming; plus strand). Cytogenetic location: 11p15.5.
Variant type: single nucleotide variant.
Coding change: c.13596C>T on transcript NM_001304359.2 (MANE Select); coding-DNA position 13596, C replaced by T.
Protein change: p.Ala4532=; no amino-acid change (alanine 4532 retained).
Molecular consequence: synonymous variant.
Genome position (GRCh38, 1-based): chr11:1,191,741, C>T. VCF-style: chr11-1191741-C-T. GRCh37 (hg19) VCF-style: chr11-1212966-C-T.
Identifiers: ClinVar variation 2641166 (VCV002641166.24), dbSNP rs76103892, ClinGen allele CA472445711.

ClinVar aggregate classification (germline): Likely benign (1 of 4 stars; one submission).

Submission:

CeGaT Center for Human Genetics Tuebingen
Classification: Likely benign. Last evaluated: 2023-09-01. Review status: criteria provided, single submitter. Criteria: CeGaT Center For Human Genetics Tuebingen Variant Classification Criteria Version 2. Collection method: clinical testing. Allele origin: germline. Affected: yes. Observed: 1 variant allele.
Comment: MUC5AC: BP4, BP7